The following is an entry in ClinVar:

NM_181861.2(APAF1):c.956-4A>T

Gene: APAF1 (apoptotic peptidase activating factor 1; plus strand). Cytogenetic location: 12q23.1.
Variant type: single nucleotide variant.
Coding change: c.956-4A>T on transcript NM_181861.2 (MANE Select); 4 bases into the intron before coding-DNA position 956, A replaced by T.
Molecular consequence: intron variant.
Genome position (GRCh38, 1-based): chr12:98,665,549, A>T. VCF-style: chr12-98665549-A-T. GRCh37 (hg19) VCF-style: chr12-99059327-A-T.
Other names: c.956-4A>T (NM_181868.2); c.955+2743A>T (NM_181869.2); c.923-4A>T (NM_013229.3, NM_001160.3).
Identifiers: ClinVar variation 3056405 (VCV003056405.2), dbSNP rs1226018795, ClinGen allele CA607145262.

ClinVar aggregate classification (germline): Likely benign (0 of 4 stars; one submission).

Conditions:
APAF1-related disorder. Also called: APAF1-related condition.

Allele frequency attached by ClinVar (database versions not stated): gnomAD exomes 0.00039.

Submission:

PreventionGenetics, part of Exact Sciences
Classification: Likely benign for APAF1-related condition. Last evaluated: 2019-02-21. Review status: no assertion criteria provided. Collection method: clinical testing. Allele origin: germline.
Comment: This variant is classified as likely benign based on ACMG/AMP sequence variant interpretation guidelines (Richards et al. 2015 PMID: 25741868, with internal and published modifications).